The following is an entry in ClinVar:

ClinVar aggregate classification (germline): Pathogenic/Likely pathogenic. Review status: criteria provided, multiple submitters, no conflicts (2 of 4 stars). 4 submissions from 4 submitters: Pathogenic (3); Likely pathogenic (1). Last evaluated 2025-06-18.

Conditions:
NKX2-1-Related Disorders. Also called: NKX2-1-related disorder. Identifiers: MedGen CN381057.
Brain-lung-thyroid syndrome. Also called: Choreoathetosis, congenital hypothyroidism, and neonatal respiratory distress; Choreoathetosis, Congenital Hypothyroidism, and Neonatal Respiratory Distress Syndrome (Brain-Lung-Thyroid Syndrome); CHOREOATHETOSIS AND CONGENITAL HYPOTHYROIDISM WITH PULMONARY DYSFUNCTION. Identifiers: Orphanet 209905, MedGen C1970269, MONDO:0012593, OMIM 610978.

Submissions (4):

GeneDx
Classification: Pathogenic. Last evaluated: 2025-06-18. Review status: criteria provided, single submitter. Criteria: GeneDx Variant Classification Process June 2021. Collection method: clinical testing. Allele origin: germline. Affected: yes.
Comment: Nonsense variant predicted to result in protein truncation, as the last 180 amino acids are lost, and other loss-of-function variants have been reported downstream in HGMD; Not observed at significant frequency in large population cohorts (gnomAD); Has not been previously published as pathogenic or benign to our knowledge

Greenwood Genetic Center Diagnostic Laboratories, Greenwood Genetic Center
Classification: Likely pathogenic for NKX2-1-related disorder. Last evaluated: 2022-06-27. Review status: criteria provided, single submitter. Criteria: ACMG Guidelines, 2015. Collection method: clinical testing. Allele origin: germline. Affected: yes.
Comment: PVS1, PM2

Institute of Medical Genetics and Applied Genomics, University Hospital Tübingen
Classification: Pathogenic. Last evaluated: 2020-10-23. Review status: criteria provided, single submitter. Criteria: ACMG Guidelines, 2015. Collection method: clinical testing. Allele origin: germline. Inheritance: Autosomal dominant inheritance. Affected: yes.

Molecular Diagnostics Lab, Nemours Children's Health, Delaware
Classification: Pathogenic for Brain-lung-thyroid syndrome. Last evaluated: 2020-02-28. Review status: criteria provided, single submitter. Criteria: ACMG Guidelines, 2015. Collection method: clinical testing. Allele origin: paternal, unknown. Inheritance: Autosomal dominant inheritance. Affected: yes. Observed: 2 heterozygotes. Clinical features observed: Chorea (HP:0002072). Segregation with disease observed.

NM_001079668.3(NKX2-1):c.664G>T (p.Glu222Ter)

Genes: NKX2-1 (NK2 homeobox 1; minus strand), SFTA3 (surfactant associated 3; minus strand). Cytogenetic location: 14q13.3.
Variant type: single nucleotide variant.
Coding change: c.664G>T on transcript NM_001079668.3 (MANE Select); coding-DNA position 664, G replaced by T.
Protein change: p.Glu222Ter; replaces glutamic acid 222 with a stop codon.
Molecular consequence: nonsense.
Genome position (GRCh38, 1-based): chr14:36,517,820, C>A on the plus strand (G>T on the coding strand, the complement: NKX2-1 is on the minus strand). VCF-style: chr14-36517820-C-A. GRCh37 (hg19) VCF-style: chr14-36987025-C-A.
Other names: c.574G>T, p.Glu192Ter (NM_003317.4); short protein forms E222*, E192*.
Identifiers: ClinVar variation 504417 (VCV000504417.11), dbSNP rs1555349209, ClinGen allele CA389459319.